The following is an entry in ClinVar:

NC_000003.11:g.(?_135969218)_(135969420_?)dup

Gene: PCCB (propionyl-CoA carboxylase subunit beta; plus strand). Cytogenetic location: 3q22.3.
Variant type: Duplication.
Identifiers: ClinVar variation 2423243 (VCV002423243.1).

ClinVar aggregate classification (germline): Uncertain significance (1 of 4 stars; one submission).

Conditions:
Propionic acidemia (PROP). Also called: GLYCINEMIA, KETOTIC; HYPERGLYCINEMIA WITH KETOACIDOSIS AND LEUKOPENIA; KETOTIC HYPERGLYCINEMIA. Identifiers: Orphanet 35, MedGen C0268579, MONDO:0011628, OMIM 606054, HP:0003571.

Submission:

Labcorp Genetics (formerly Invitae), Labcorp
Classification: Uncertain significance for Propionic acidemia. Last evaluated: 2022-08-22. Review status: criteria provided, single submitter. Criteria: Invitae Variant Classification Sherloc (09022015). Collection method: clinical testing. Allele origin: germline.
Comment: This variant results in a copy number gain of the genomic region encompassing exon(s) 1 of the PCCB gene. This region includes the initiator codon of the gene. This copy number gain extends beyond the assayed region for this gene and therefore may encompass additional genes. As the precise location of this event is unknown, it may be in tandem or it may be located elsewhere in the genome. This variant has not been reported in the literature in individuals affected with PCCB-related conditions. In summary, the available evidence is currently insufficient to determine the role of this variant in disease. Therefore, it has been classified as a Variant of Uncertain Significance.